The following is an entry in ClinVar:

ClinVar aggregate classification (germline): Pathogenic. Review status: criteria provided, single submitter (1 of 4 stars). 2 submissions from 2 submitters: Pathogenic (1). 1 of the submissions does not count toward it. Last evaluated 2018-04-01.

Conditions:
Cohen syndrome (COH1). Also called: PEPPER SYNDROME; Cutis verticis gyrata, retinitis pigmentosa, and sensorineural deafness. Identifiers: Orphanet 193, MedGen C0265223, MONDO:0008999, OMIM 216550.

Submissions (2):

CeGaT Center for Human Genetics Tuebingen
Classification: Pathogenic. Last evaluated: 2018-04-01. Review status: criteria provided, single submitter. Criteria: CeGaT Center For Human Genetics Tuebingen Variant Classification Criteria Version 2. Collection method: clinical testing. Allele origin: germline. Affected: yes. Observed: 1 variant allele.

Juha Muilu Group; Institute for Molecular Medicine Finland (FIMM)
Classification: Likely pathogenic for Cohen syndrome. Review status: no assertion criteria provided. Collection method: not provided. Allele origin: unknown. Not counted in ClinVar's aggregate classification.
Comment: FinDis database variant: This variant was not found or characterized by our laboratory, data were collected from public sources: see reference
ClinVar note: Converted during submission from probable-pathogenic to Likely pathogenic.

NM_152564.5(VPS13B):c.404dup (p.Leu135fs)

Gene: VPS13B (vacuolar protein sorting 13 homolog B; plus strand). Cytogenetic location: 8q22.2.
Variant type: Duplication.
Coding change: c.404dup on transcript NM_152564.5 (MANE Select); coding-DNA position 404, one base duplicated (T; older notation c.404dupT).
Protein change: p.Leu135fs; shifts the reading frame from leucine 135.
Molecular consequence: frameshift variant. On other transcripts: non-coding transcript variant (1).
Genome position (GRCh38, 1-based): chr8:99,096,424, T duplicated; the last of 2 consecutive T bases (chr8:99,096,423-99,096,424); duplicating either gives the same sequence. VCF-style (leftmost placement, unchanged base first): chr8-99096422-C-CT. GRCh37 (hg19) VCF-style: chr8-100108650-C-CT.
Other names: c.404dupT (NM_017890.4); c.404dup, p.Leu135fs (NM_015243.3, NM_017890.5, NM_181661.3); short protein forms L135fs.
Identifiers: ClinVar variation 56661 (VCV000056661.43), dbSNP rs386834083, ClinGen allele CA264071.